The following is an entry in ClinVar:

ClinVar aggregate classification (germline): Uncertain significance. Review status: criteria provided, multiple submitters, no conflicts (2 of 4 stars). 3 submissions from 3 submitters: Uncertain significance (3). Last evaluated 2026-09-08.

Conditions:
MKS1-related disorder. Also called: MKS1-related condition; MKS1-related disorders. Identifiers: MedGen CN239382.
Inborn genetic diseases. Identifiers: MedGen C0950123, MeSH D030342.
Joubert syndrome. Also called: JOUBERT-BOLTSHAUSER SYNDROME; Familial aplasia of the vermis. Identifiers: Orphanet 475, MedGen C5979921, MONDO:0018772.
Meckel-Gruber syndrome. Also called: DYSENCEPHALIA SPLANCHNOCYSTICA; GRUBER SYNDROME; Dysencephalia splachnocystica. Identifiers: Orphanet 564, MedGen C0265215, MONDO:0018921.

Allele frequency attached by ClinVar (database versions not stated): gnomAD 0.00001; TOPMed 0.00002.
gnomAD v4.1: 18 of 1,614,076 alleles (0.0011%); highest among the groups gnomAD compares: Non-Finnish European, 0.0015%; no homozygotes.

Submissions (3):

PreventionGenetics, part of Exact Sciences
Classification: Uncertain significance for MKS1-related condition. Last evaluated: 2026-09-08. Review status: criteria provided, single submitter. Criteria: ACMG Guidelines, 2015. Collection method: clinical testing. Allele origin: germline.
Comment: The MKS1 c.618C>G variant is predicted to result in the amino acid substitution p.Ile206Met. To our knowledge, this variant has not been reported in the literature. This variant is reported in 0.0016% of alleles in individuals of European (Non-Finnish) descent in gnomAD. At this time, the clinical significance of this variant is uncertain due to the absence of conclusive functional and genetic evidence.

Ambry Genetics
Classification: Uncertain significance for Inborn genetic diseases. Last evaluated: 2025-05-16. Review status: criteria provided, single submitter. Criteria: Ambry Variant Classification Scheme 2023. Collection method: clinical testing. Allele origin: germline.

Labcorp Genetics (formerly Invitae), Labcorp
Classification: Uncertain significance for Joubert syndrome; Meckel-Gruber syndrome. Last evaluated: 2021-11-05. Review status: criteria provided, single submitter. Criteria: Invitae Variant Classification Sherloc (09022015). Collection method: clinical testing. Allele origin: germline.
Comment: This sequence change replaces isoleucine, which is neutral and non-polar, with methionine, which is neutral and non-polar, at codon 206 of the MKS1 protein (p.Ile206Met). This variant is present in population databases (rs772982926, gnomAD 0.002%). This variant has not been reported in the literature in individuals affected with MKS1-related conditions. Advanced modeling of protein sequence and biophysical properties (such as structural, functional, and spatial information, amino acid conservation, physicochemical variation, residue mobility, and thermodynamic stability) performed at Invitae indicates that this missense variant is expected to disrupt MKS1 protein function. In summary, the available evidence is currently insufficient to determine the role of this variant in disease. Therefore, it has been classified as a Variant of Uncertain Significance.

NM_017777.4(MKS1):c.618C>G (p.Ile206Met)

Gene: MKS1 (MKS transition zone complex subunit 1; minus strand). Cytogenetic location: 17q22.
Variant type: single nucleotide variant.
Coding change: c.618C>G on transcript NM_017777.4 (MANE Select); coding-DNA position 618, C replaced by G.
Protein change: p.Ile206Met; replaces isoleucine 206 with methionine.
Molecular consequence: missense variant.
Genome position (GRCh38, 1-based): chr17:58,214,285, G>C on the plus strand (C>G on the coding strand, the complement: MKS1 is on the minus strand). VCF-style: chr17-58214285-G-C. GRCh37 (hg19) VCF-style: chr17-56291646-G-C.
Other names: c.9C>G, p.Ile3Met (NM_001321268.2); c.618C>G, p.Ile206Met (NM_001321269.2, NM_001330397.2, NM_001411113.1); short protein forms I206M, I3M.
Identifiers: ClinVar variation 2139209 (VCV002139209.3), dbSNP rs772982926, ClinGen allele CA8669465.